The following is an entry in ClinVar:

ClinVar aggregate classification (germline): Conflicting classifications of pathogenicity. Review status: criteria provided, conflicting classifications (1 of 4 stars). 3 submissions from 3 submitters: Uncertain significance (1); Likely benign (2). Last evaluated 2024-11-22.

Conditions:
Inborn genetic diseases. Identifiers: MedGen C0950123, MeSH D030342.

Allele frequency attached by ClinVar (database versions not stated): gnomAD exomes 0.00057; 1000 Genomes Project 30x 0.00062; gnomAD 0.00054; TOPMed 0.00036.
gnomAD v4.1: 656 of 1,162,540 alleles (0.056%); highest among the groups gnomAD compares: South Asian, 0.16%; no homozygotes.

Submissions (3):

Blueprint Genetics
Classification: Likely benign. Last evaluated: 2024-11-22. Review status: criteria provided, single submitter. Criteria: ACMG Guidelines, 2015. Collection method: clinical testing. Allele origin: germline.

CeGaT Center for Human Genetics Tuebingen
Classification: Likely benign. Last evaluated: 2024-09-01. Review status: criteria provided, single submitter. Criteria: CeGaT Center For Human Genetics Tuebingen Variant Classification Criteria Version 2. Collection method: clinical testing. Allele origin: germline. Affected: yes. Observed: 1 variant allele.
Comment: ATXN2: BS1

Ambry Genetics
Classification: Uncertain significance for Inborn genetic diseases. Last evaluated: 2024-02-28. Review status: criteria provided, single submitter. Criteria: Ambry Variant Classification Scheme 2023. Collection method: clinical testing. Allele origin: germline.

NM_002973.3(ATXN2):c.139C>A (p.Pro47Thr)

Gene: ATXN2 (ataxin 2; minus strand). Cytogenetic location: 12q24.12.
Variant type: single nucleotide variant.
Coding change: c.139C>A on transcript NM_002973.3; coding-DNA position 139, C replaced by A.
Protein change: p.Pro47Thr; replaces proline 47 with threonine.
Molecular consequence: intron variant (on NM_001310123.1).
Genome position (GRCh38, 1-based): chr12:111,599,376, G>T on the plus strand (C>A on the coding strand, the complement: ATXN2 is on the minus strand). VCF-style: chr12-111599376-G-T. GRCh37 (hg19) VCF-style: chr12-112037180-G-T.
Other names: c.-28+199C>A (NM_001310123.1); c.-65+199C>A (NM_001310121.1); short protein forms P47T.
Identifiers: ClinVar variation 2355943 (VCV002355943.16), dbSNP rs948625674, ClinGen allele CA243622439.